The following is an entry in ClinVar:

NM_001304360.2(CFAP74):c.3206G>T (p.Gly1069Val)

Gene: CFAP74 (cilia and flagella associated protein 74; minus strand). Cytogenetic location: 1p36.33.
Variant type: single nucleotide variant.
Coding change: c.3206G>T on transcript NM_001304360.2 (MANE Select); coding-DNA position 3206, G replaced by T.
Protein change: p.Gly1069Val; replaces glycine 1069 with valine.
Molecular consequence: missense variant.
Genome position (GRCh38, 1-based): chr1:1,930,142, C>A on the plus strand (G>T on the coding strand, the complement: CFAP74 is on the minus strand). VCF-style: chr1-1930142-C-A. GRCh37 (hg19) VCF-style: chr1-1861581-C-A.
Other names: short protein forms G1069V.
Identifiers: ClinVar variation 3387862 (VCV003387862.14).
Genomic context (GRCh38, chr1:1,930,142, plus strand): 5'-ACTGAGGGCGAGATGGTGATAGGCGAGTCTGGGGGCAGCAGGAACTCGAAAGACGTGGGC[C>A]CCATGGGAGAGGCGTCCTCTGAGCCAATGCGGGGCTTGGAGTGGGTCGGTGAGCTCATGC-3'
Protein context (NP_001291289.1, residues 1059-1079): RIGSEDASPM[Gly1069Val]PTSFEFLLPP

ClinVar aggregate classification (germline): Benign (1 of 4 stars; one submission).

gnomAD v4.1: 14,910 of 1,535,596 alleles (0.97%); highest among the groups gnomAD compares: Admixed American, 1.2%; 91 homozygotes.

Submission:

CeGaT Center for Human Genetics Tuebingen
Classification: Benign. Last evaluated: 2026-04-01. Review status: criteria provided, single submitter. Criteria: CeGaT Center For Human Genetics Tuebingen Variant Classification Criteria Version 2. Collection method: clinical testing. Allele origin: germline. Affected: yes. Observed: 4 variant alleles.
Comment: CFAP74: BP4, BS1, BS2